The following is an entry in ClinVar:

NM_022821.4(ELOVL1):c.826G>A (p.Val276Ile)

Gene: ELOVL1 (ELOVL fatty acid elongase 1; minus strand). Cytogenetic location: 1p34.2.
Variant type: single nucleotide variant.
Coding change: c.826G>A on transcript NM_022821.4 (MANE Select); coding-DNA position 826, G replaced by A.
Protein change: p.Val276Ile; replaces valine 276 with isoleucine.
Molecular consequence: missense variant. On other transcripts: non-coding transcript variant (1).
Genome position (GRCh38, 1-based): chr1:43,363,930, C>T on the plus strand (G>A on the coding strand, the complement: ELOVL1 is on the minus strand). VCF-style: chr1-43363930-C-T. GRCh37 (hg19) VCF-style: chr1-43829601-C-T.
Other names: c.826G>A, p.Val276Ile (NM_001256399.2); c.745G>A, p.Val249Ile (NM_001256401.2); c.583G>A, p.Val195Ile (NM_001256402.2); short protein forms V195I, V249I, V276I.
Identifiers: ClinVar variation 4697294 (VCV004697294.1).

ClinVar aggregate classification (germline): Uncertain significance (1 of 4 stars; one submission).

Submission:

Labcorp Genetics (formerly Invitae), Labcorp
Classification: Uncertain significance. Last evaluated: 2026-02-01. Review status: criteria provided, single submitter. Criteria: Invitae Variant Classification Sherloc (09022015). Collection method: clinical testing. Allele origin: germline.
Comment: This sequence change replaces valine, which is neutral and non-polar, with isoleucine, which is neutral and non-polar, at codon 276 of the ELOVL1 protein (p.Val276Ile). This variant is present in population databases (rs200400885, gnomAD 0.006%). This variant has not been reported in the literature in individuals affected with ELOVL1-related conditions. An algorithm developed to predict the effect of missense changes on protein structure and function (PolyPhen-2) suggests that this variant is likely to be tolerated. In summary, the available evidence is currently insufficient to determine the role of this variant in disease. Therefore, it has been classified as a Variant of Uncertain Significance.